The following is an entry in ClinVar:

ClinVar aggregate classification (germline): Uncertain significance. Review status: criteria provided, multiple submitters, no conflicts (2 of 4 stars). 3 submissions from 3 submitters: Uncertain significance (3). Last evaluated 2026-01-05.

Conditions:
SMAD6-related disease. Also called: SMAD6-related condition; SMAD6-related disorder. Identifiers: MedGen CN381596, MONDO:0700324.
Inborn genetic diseases. Identifiers: MedGen C0950123, MeSH D030342.
Aortic valve disease 2 (AOVD2). Identifiers: MedGen C3542024, MONDO:0013902, OMIM 614823.

Allele frequency attached by ClinVar (database versions not stated): gnomAD 0.00001; TOPMed 0.00003.
gnomAD v4.1: 4 of 1,387,890 alleles (0.00029%); highest among the groups gnomAD compares: Admixed American, 0.011%; no homozygotes.

Submissions (3):

Labcorp Genetics (formerly Invitae), Labcorp
Classification: Uncertain significance for Aortic valve disease 2. Last evaluated: 2026-01-05. Review status: criteria provided, single submitter. Criteria: Invitae Variant Classification Sherloc (09022015). Collection method: clinical testing. Allele origin: germline.
Comment: This sequence change replaces leucine, which is neutral and non-polar, with valine, which is neutral and non-polar, at codon 229 of the SMAD6 protein (p.Leu229Val). This variant is present in population databases (rs751084258, gnomAD 0.01%). This variant has not been reported in the literature in individuals affected with SMAD6-related conditions. ClinVar contains an entry for this variant (Variation ID: 2042083). Invitae Evidence Modeling of protein sequence and biophysical properties (such as structural, functional, and spatial information, amino acid conservation, physicochemical variation, residue mobility, and thermodynamic stability) indicates that this missense variant is not expected to disrupt SMAD6 protein function with a negative predictive value of 80%. In summary, the available evidence is currently insufficient to determine the role of this variant in disease. Therefore, it has been classified as a Variant of Uncertain Significance.

Ambry Genetics
Classification: Uncertain significance for Inborn genetic diseases. Last evaluated: 2023-04-24. Review status: criteria provided, single submitter. Criteria: Ambry Variant Classification Scheme 2023. Collection method: clinical testing. Allele origin: germline.
Comment: The p.L229V variant (also known as c.685C>G), located in coding exon 1 of the SMAD6 gene, results from a C to G substitution at nucleotide position 685. The leucine at codon 229 is replaced by valine, an amino acid with highly similar properties. This amino acid position is conserved. In addition, this alteration is predicted to be tolerated by in silico analysis. Since supporting evidence is limited at this time, the clinical significance of this alteration remains unclear.

PreventionGenetics, part of Exact Sciences
Classification: Uncertain significance for SMAD6-related condition. Last evaluated: 2022-09-16. Review status: criteria provided, single submitter. Criteria: ACMG Guidelines, 2015. Collection method: clinical testing. Allele origin: germline.
Comment: The SMAD6 c.685C>G variant is predicted to result in the amino acid substitution p.Leu229Val. To our knowledge, this variant has not been reported in the literature. This variant is reported in 0.020% of alleles in individuals of Latino descent in gnomAD. At this time, the clinical significance of this variant is uncertain due to the absence of conclusive functional and genetic evidence.

NM_005585.5(SMAD6):c.685C>G (p.Leu229Val)

Gene: SMAD6 (SMAD family member 6; plus strand). Cytogenetic location: 15q22.31.
Variant type: single nucleotide variant.
Coding change: c.685C>G on transcript NM_005585.5 (MANE Select); coding-DNA position 685, C replaced by G.
Protein change: p.Leu229Val; replaces leucine 229 with valine.
Molecular consequence: missense variant. On other transcripts: non-coding transcript variant (1).
Genome position (GRCh38, 1-based): chr15:66,703,943, C>G. VCF-style: chr15-66703943-C-G. GRCh37 (hg19) VCF-style: chr15-66996281-C-G.
Other names: c.685C>G (NM_005585.4); short protein forms L229V.
Identifiers: ClinVar variation 2042083 (VCV002042083.7), dbSNP rs751084258, ClinGen allele CA7626508.
Genomic context (GRCh38, chr15:66,703,943, plus strand): 5'-CCGCGCGCCGACCTCCGCCTGGGCGGCCAGCCCGCGCCGCCGCAGCTGCTGCTCGGCCGC[C>G]TCTTTCGCTGGCCCGACCTGCAGCACGCCGTGGAGCTGAAGCCCCTGTGCGGCTGCCACA-3'
Protein context (NP_005576.3, residues 219-239): PAPPQLLLGR[Leu229Val]FRWPDLQHAV